The following is an entry in ClinVar:

ClinVar aggregate classification (germline): Conflicting classifications of pathogenicity. Review status: criteria provided, conflicting classifications (1 of 4 stars). 5 submissions from 5 submitters: Uncertain significance (2); Benign (1); Likely benign (1). 1 of the submissions does not count toward it. Last evaluated 2026-03-01.

Conditions:
MRPS22-related disorder. Also called: MRPS22-related condition.
Hypotonia with lactic acidemia and hyperammonemia. Identifiers: Orphanet 137908, MedGen C2673642, MONDO:0012718, OMIM 611719.

Allele frequency attached by ClinVar (database versions not stated): 1000 Genomes Project 0.00040; 1000 Genomes Project 30x 0.00047; TOPMed 0.00051; ESP Exome Variant Server 0.00062; gnomAD 0.00066 and 0.00072; gnomAD exomes 0.00093 and 0.00110; ExAC 0.00105.

Submissions (5):

CeGaT Center for Human Genetics Tuebingen
Classification: Likely benign. Last evaluated: 2026-03-01. Review status: criteria provided, single submitter. Criteria: CeGaT Center For Human Genetics Tuebingen Variant Classification Criteria Version 2. Collection method: clinical testing. Allele origin: germline. Affected: yes. Observed: 2 variant alleles.
Comment: MRPS22: BS2

Labcorp Genetics (formerly Invitae), Labcorp
Classification: Benign. Last evaluated: 2025-11-26. Review status: criteria provided, single submitter. Criteria: Invitae Variant Classification Sherloc (09022015). Collection method: clinical testing. Allele origin: germline.

GeneDx
Classification: Uncertain significance. Last evaluated: 2025-08-14. Review status: criteria provided, single submitter. Criteria: GeneDx Variant Classification Process June 2021. Collection method: clinical testing. Allele origin: germline. Affected: yes.
Comment: In silico analysis supports that this missense variant has a deleterious effect on protein structure/function; Has not been previously published as pathogenic or benign to our knowledge

Illumina Laboratory Services, Illumina
Classification: Uncertain significance for Hypotonia with lactic acidemia and hyperammonemia. Last evaluated: 2018-01-13. Review status: criteria provided, single submitter. Criteria: ICSL Variant Classification Criteria 13 December 2019. Collection method: clinical testing. Allele origin: germline.

PreventionGenetics, part of Exact Sciences
Classification: Likely benign for MRPS22-related condition. Last evaluated: 2023-04-21. Review status: no assertion criteria provided. Collection method: clinical testing. Allele origin: germline. Not counted in ClinVar's aggregate classification.
Comment: This variant is classified as likely benign based on ACMG/AMP sequence variant interpretation guidelines (Richards et al. 2015 PMID: 25741868, with internal and published modifications).

NM_020191.4(MRPS22):c.938C>T (p.Ser313Leu)

Gene: MRPS22 (mitochondrial ribosomal protein S22; plus strand). Cytogenetic location: 3q23.
Variant type: single nucleotide variant.
Coding change: c.938C>T on transcript NM_020191.4 (MANE Select); coding-DNA position 938, C replaced by T.
Protein change: p.Ser313Leu; replaces serine 313 with leucine.
Molecular consequence: missense variant.
Genome position (GRCh38, 1-based): chr3:139,355,741, C>T. VCF-style: chr3-139355741-C-T. GRCh37 (hg19) VCF-style: chr3-139074583-C-T.
Other names: c.935C>T, p.Ser312Leu (NM_001363893.1); c.815C>T, p.Ser272Leu (NM_001363857.1); short protein forms S313L, S272L, S312L.
Identifiers: ClinVar variation 214681 (VCV000214681.37), dbSNP rs147932653, ClinGen allele CA322310.